The following is an entry in ClinVar:

NM_030667.3(PTPRO):c.1792C>G (p.Leu598Val)

Gene: PTPRO (protein tyrosine phosphatase receptor type O; plus strand). Cytogenetic location: 12p12.3.
Variant type: single nucleotide variant.
Coding change: c.1792C>G on transcript NM_030667.3 (MANE Select); coding-DNA position 1792, C replaced by G.
Protein change: p.Leu598Val; replaces leucine 598 with valine.
Molecular consequence: missense variant.
Genome position (GRCh38, 1-based): chr12:15,520,213, C>G. VCF-style: chr12-15520213-C-G. GRCh37 (hg19) VCF-style: chr12-15673147-C-G.
Other names: c.1792C>G, p.Leu598Val (NM_002848.4); short protein forms L598V.
Identifiers: ClinVar variation 1032235 (VCV001032235.1), dbSNP rs746574149, ClinGen allele CA384033643.

ClinVar aggregate classification (germline): Uncertain significance (1 of 4 stars; one submission).

Conditions:
Nephrotic syndrome, type 6 (NPHS6). Identifiers: Orphanet 656, MedGen C3280100, MONDO:0013619, OMIM 614196.

Submission:

Baylor Genetics
Classification: Uncertain significance for Nephrotic syndrome, type 6. Last evaluated: 2018-06-01. Review status: criteria provided, single submitter. Criteria: ACMG Guidelines, 2015. Collection method: clinical testing. Allele origin: unknown. Affected: yes.
Comment: This variant was determined to be of uncertain significance according to ACMG Guidelines, 2015 [PMID:25741868].